The following is an entry in ClinVar:

NC_000013.11:g.(?_32379297)_(32380165_?)del

Gene: BRCA2 (BRCA2 DNA repair associated; plus strand). Cytogenetic location: 13q13.1.
Variant type: Deletion.
Identifiers: ClinVar variation 831453 (VCV000831453.8).

ClinVar aggregate classification (germline): Pathogenic (1 of 4 stars; one submission).

Conditions:
Hereditary breast ovarian cancer syndrome. Also called: Hereditary breast and/or ovarian cancer syndrome; Hereditary breast and ovarian cancer syndrome (HBOC); Breast and ovarian cancer; Hereditary breast and ovarian cancer; BRCA1- and BRCA2-Associated Hereditary Breast and Ovarian Cancer; Hereditary breast and ovarian cancer syndrome. Identifiers: Orphanet 145, MedGen C0677776, MeSH D061325, MONDO:0003582. Disease mechanism: loss of function.

Submission:

Labcorp Genetics (formerly Invitae), Labcorp
Classification: Pathogenic for Hereditary breast ovarian cancer syndrome. Last evaluated: 2024-01-31. Review status: criteria provided, single submitter. Criteria: Invitae Variant Classification Sherloc (09022015). Collection method: clinical testing. Allele origin: germline.
Comment: This variant is a gross deletion of the genomic region encompassing exon(s) 22-24 of the BRCA2 gene. This deletion is out-of-frame, and is expected to create a premature termination codon and result in an absent or disrupted protein product. Loss-of-function variants in BRCA2 are known to be pathogenic (PMID: 20104584). A similar copy number variant has been observed in individual(s) with breast cancer (PMID: 22434521, 25066186). For these reasons, this variant has been classified as Pathogenic.

Literature cited by the submitters: PubMed 20104584; PubMed 22434521; PubMed 25066186.